The following is an entry in ClinVar:

NM_001365951.3(KIF1B):c.3917T>G (p.Leu1306Arg)

Gene: KIF1B (kinesin family member 1B; plus strand). Cytogenetic location: 1p36.22.
Variant type: single nucleotide variant.
Coding change: c.3917T>G on transcript NM_001365951.3 (MANE Select); coding-DNA position 3917, T replaced by G.
Protein change: p.Leu1306Arg; replaces leucine 1306 with arginine.
Molecular consequence: missense variant.
Genome position (GRCh38, 1-based): chr1:10,348,701, T>G. VCF-style: chr1-10348701-T-G. GRCh37 (hg19) VCF-style: chr1-10408759-T-G.
Other names: c.3917T>G, p.Leu1306Arg (NM_001365952.1); c.3779T>G, p.Leu1260Arg (NM_015074.3); short protein forms L1306R, L1260R.
Identifiers: ClinVar variation 3288454 (VCV003288454.1).
Genomic context (GRCh38, chr1:10,348,701, plus strand): 5'-TTACCTAGGGCATCCAGCGAAGGATCACAGTGACCATTATCCATGAGAAGGGGAGCGAGC[T>G]CCATTGGAAAGATGTTCGTGAACTGGTGGTAGGTGAGTACGTTTCATCAGCCAAGGATAG-3'
Protein context (NP_001352880.1, residues 1296-1316): VTIIHEKGSE[Leu1306Arg]HWKDVRELVV

ClinVar aggregate classification (germline): Uncertain significance (1 of 4 stars; one submission).

gnomAD v4.1: 1 of 1,613,978 alleles (0.000062%); highest among the groups gnomAD compares: African/African-American, 0.0013%; no homozygotes.

Submission:

Ambry Genetics
Classification: Uncertain significance. Last evaluated: 2024-05-16. Review status: criteria provided, single submitter. Criteria: Ambry Variant Classification Scheme 2023. Collection method: clinical testing. Allele origin: germline.
Comment: The p.L1260R variant (also known as c.3779T>G), located in coding exon 34 of the KIF1B gene, results from a T to G substitution at nucleotide position 3779. The leucine at codon 1260 is replaced by arginine, an amino acid with dissimilar properties. This amino acid position is conserved. In addition, this alteration is predicted to be deleterious by in silico analysis. Based on the available evidence, the clinical significance of this variant remains unclear.